The following is an entry in ClinVar:

NM_000616.5(CD4):c.608-73C>T

Gene: CD4 (CD4 molecule; plus strand). Cytogenetic location: 12p13.31.
Variant type: single nucleotide variant.
Coding change: c.608-73C>T on transcript NM_000616.5 (MANE Select); 73 bases into the intron before coding-DNA position 608, C replaced by T.
Molecular consequence: intron variant. On other transcripts: 5 prime UTR variant (1).
Genome position (GRCh38, 1-based): chr12:6,815,983, C>T. VCF-style: chr12-6815983-C-T. GRCh37 (hg19) VCF-style: chr12-6925149-C-T.
Other names: c.-3C>T (NM_001195014.3); c.608-73C>T (NM_001382707.1, NM_000616.4); c.-212-73C>T (NM_001382706.1, NM_001382705.1, NM_001195015.3 and 2 more transcripts); c.443-73C>T (NM_001382714.1).
Identifiers: ClinVar variation 2688100 (VCV002688100.4), dbSNP rs10744715, ClinGen allele CA6415852.

ClinVar aggregate classification (germline): Benign. Review status: criteria provided, single submitter (1 of 4 stars). 2 submissions from 2 submitters: Benign (1). 1 of the submissions does not count toward it. Last evaluated 2024-01-24.

Conditions:
CD4-related disorder. Also called: CD4-related condition.

Allele frequency attached by ClinVar (database versions not stated): 1000 Genomes Project 0.23383; 1000 Genomes Project 30x 0.23548; TOPMed 0.28495; gnomAD 0.28847; gnomAD exomes 0.34945; ExAC 0.40563.
gnomAD v4.1: 545,306 of 1,592,804 alleles (34%); highest among the groups gnomAD compares: Admixed American, 42%; 97,018 homozygotes.

Submissions (2):

Unidad de Genómica Garrahan, Hospital de Pediatría Garrahan
Classification: Benign. Last evaluated: 2024-01-24. Review status: criteria provided, single submitter. Criteria: ACMG Guidelines, 2015. Collection method: clinical testing. Allele origin: germline. Affected: no. Observed: 51 variant alleles.
Comment: This variant is classified as Benign based on local population frequency. This variant was detected in 54% of patients studied by a panel of primary immunodeficiencies. Number of patients: 51. Only high quality variants are reported.

PreventionGenetics, part of Exact Sciences
Classification: Benign for CD4-related condition. Last evaluated: 2019-10-21. Review status: no assertion criteria provided. Collection method: clinical testing. Allele origin: germline. Not counted in ClinVar's aggregate classification.
Comment: This variant is classified as benign based on ACMG/AMP sequence variant interpretation guidelines (Richards et al. 2015 PMID: 25741868, with internal and published modifications).